The following is an entry in ClinVar:

NM_000032.5(ALAS2):c.1355G>A (p.Arg452His)

Gene: ALAS2 (5'-aminolevulinate synthase 2; minus strand). Cytogenetic location: Xp11.21.
Variant type: single nucleotide variant.
Coding change: c.1355G>A on transcript NM_000032.5 (MANE Select); coding-DNA position 1355, G replaced by A.
Protein change: p.Arg452His; replaces arginine 452 with histidine.
Molecular consequence: missense variant.
Genome position (GRCh38, 1-based): chrX:55,014,829, C>T on the plus strand (G>A on the coding strand, the complement: ALAS2 is on the minus strand). VCF-style: chrX-55014829-C-T. GRCh37 (hg19) VCF-style: chrX-55041262-C-T.
Other names: p.R452H:CGC>CAC; c.1355G>A, p.Arg452His (LRG_1163t1); c.1244G>A, p.Arg415His (NM_001037967.4); c.1316G>A, p.Arg439His (NM_001037968.4); short protein forms R452H, R439H, R415H.
Identifiers: ClinVar variation 214099 (VCV000214099.11), dbSNP rs863223904, ClinGen allele CA325039.
Genomic context (GRCh38, chrX:55,014,829, plus strand): 5'-GGGCAGGGGATGACAGGAAGGCCCCTGTCCATGAGTAGCTGGCGCATGTGCTTGACATTG[C>T]GCTGGTGGGCTCGCCTCAGGGCTTGGCCCTCCTCTCCCTTGAGCAGCCGCACAGATTCTA-3'
Protein context (NP_000023.2, residues 442-462): EGQALRRAHQ[Arg452His]NVKHMRQLLM

ClinVar aggregate classification (germline): Pathogenic. Review status: criteria provided, multiple submitters, no conflicts (2 of 4 stars). 3 submissions from 3 submitters: Pathogenic (3). Last evaluated 2025-12-10.

Allele frequency attached by ClinVar (database versions not stated): gnomAD exomes below 0.00001 and 0.00001.
gnomAD v4.1: 3 of 1,203,922 alleles (0.00025%); highest among the groups gnomAD compares: Admixed American, 0.0022%; no homozygotes.

Submissions (3):

Labcorp Genetics (formerly Invitae), Labcorp
Classification: Pathogenic. Last evaluated: 2025-12-10. Review status: criteria provided, single submitter. Criteria: Invitae Variant Classification Sherloc (09022015). Collection method: clinical testing. Allele origin: germline.
Comment: This sequence change replaces arginine, which is basic and polar, with histidine, which is basic and polar, at codon 452 of the ALAS2 protein (p.Arg452His). The frequency data for this variant in the population databases is considered unreliable, as metrics indicate poor data quality at this position in the gnomAD database. This missense change has been observed in individual(s) with X-linked congenital sideroblastic anemia (PMID: 7592563, 9020366, 16540354, 24829177, 32297424). It has also been observed to segregate with disease in related individuals. ClinVar contains an entry for this variant (Variation ID: 214099). Invitae Evidence Modeling of protein sequence and biophysical properties (such as structural, functional, and spatial information, amino acid conservation, physicochemical variation, residue mobility, and thermodynamic stability) has been performed for this missense variant. However, the output from this modeling did not meet the statistical confidence thresholds required to predict the impact of this variant on ALAS2 protein function. For these reasons, this variant has been classified as Pathogenic.

Revvity Omics, Revvity
Classification: Pathogenic. Last evaluated: 2024-12-10. Review status: criteria provided, single submitter. Criteria: ACMG Guidelines, 2015. Collection method: clinical testing. Allele origin: germline.

GeneDx
Classification: Pathogenic. Last evaluated: 2022-04-14. Review status: criteria provided, single submitter. Criteria: GeneDx Variant Classification Process June 2021. Collection method: clinical testing. Allele origin: germline. Affected: yes.
Comment: Published functional studies demonstrate a damaging effect on succinyl-CoA binding and cooperativity as well as on cofactor binding (Bishop et al., 2012); In silico analysis supports that this missense variant does not alter protein structure/function; This variant is associated with the following publications: (PMID: 7592563, 22740690, 24829177, 16540354, 29743399, 21252495, 9020366, 32297424, 19731322, 35093382, Ducamp2021[Poster])

Literature cited by the submitters: PubMed 7592563 (cited by Labcorp Genetics (formerly Invitae), Labcorp); PubMed 9020366 (cited by Labcorp Genetics (formerly Invitae), Labcorp); PubMed 16540354 (cited by Labcorp Genetics (formerly Invitae), Labcorp); PubMed 24829177 (cited by Labcorp Genetics (formerly Invitae), Labcorp); PubMed 32297424 (cited by Labcorp Genetics (formerly Invitae), Labcorp).